The following is an entry in ClinVar:

ClinVar aggregate classification (germline): Conflicting classifications of pathogenicity. Review status: criteria provided, conflicting classifications (1 of 4 stars). 2 submissions from 2 submitters: Likely pathogenic (1); Uncertain significance (1). Last evaluated 2024-03-12.

Conditions:
Duchenne muscular dystrophy (DMD). Also called: MUSCULAR DYSTROPHY, PSEUDOHYPERTROPHIC PROGRESSIVE, DUCHENNE TYPE; Duchenne Muscular Dystrophy (DMD). Identifiers: Orphanet 98896, MedGen C0013264, MONDO:0010679, OMIM 310200.

Submissions (2):

Blueprint Genetics
Classification: Uncertain significance. Last evaluated: 2024-03-12. Review status: criteria provided, single submitter. Criteria: ACMG Guidelines, 2015. Collection method: clinical testing. Allele origin: germline.

Labcorp Genetics (formerly Invitae), Labcorp
Classification: Likely pathogenic for Duchenne muscular dystrophy. Last evaluated: 2019-07-16. Review status: criteria provided, single submitter. Criteria: Invitae Variant Classification Sherloc (09022015). Collection method: clinical testing. Allele origin: germline.
Comment: In summary, the currently available evidence indicates that the variant is pathogenic, but additional data are needed to prove that conclusively. Therefore, this variant has been classified as Likely Pathogenic. Algorithms developed to predict the effect of missense changes on protein structure and function (SIFT, PolyPhen-2, Align-GVGD) all suggest that this variant is likely to be disruptive, but these predictions have not been confirmed by published functional studies and their clinical significance is uncertain. This variant has been observed to be de novo in an individual affected with clinical features consistent with dystrophinopathy (Invitae). This variant is not present in population databases (ExAC no frequency). This sequence change replaces arginine with proline at codon 3370 of the DMD protein (p.Arg3370Pro). The arginine residue is highly conserved and there is a moderate physicochemical difference between arginine and proline.

NM_004006.3(DMD):c.10109G>C (p.Arg3370Pro)

Gene: DMD (dystrophin; minus strand). Cytogenetic location: Xp21.2.
Variant type: single nucleotide variant.
Coding change: c.10109G>C on transcript NM_004006.3 (MANE Select); coding-DNA position 10109, G replaced by C.
Protein change: p.Arg3370Pro; replaces arginine 3370 with proline.
Molecular consequence: missense variant.
Genome position (GRCh38, 1-based): chrX:31,178,783, C>G on the plus strand (G>C on the coding strand, the complement: DMD is on the minus strand). VCF-style: chrX-31178783-C-G. GRCh37 (hg19) VCF-style: chrX-31196900-C-G.
Other names: c.10085G>C, p.Arg3362Pro (NM_000109.4); c.10097G>C, p.Arg3366Pro (NM_004009.3); c.9740G>C, p.Arg3247Pro (NM_004010.3); c.6086G>C, p.Arg2029Pro (NM_004011.4); c.6077G>C, p.Arg2026Pro (NM_004012.4); c.2729G>C, p.Arg910Pro (NM_004013.3, NM_004020.4, NM_004021.3 and 2 more transcripts); c.1922G>C, p.Arg641Pro (NM_004014.3); c.905G>C, p.Arg302Pro (NM_004015.3, NM_004016.3, NM_004017.3 and 2 more transcripts); short protein forms R3370P, R2026P, R3247P, R3362P, R3366P, R641P, R302P, R2029P.
Identifiers: ClinVar variation 455851 (VCV000455851.12), dbSNP rs1556037455, ClinGen allele CA412652922.